The following is an entry in ClinVar:

NM_182914.3(SYNE2):c.15818A>G (p.Gln5273Arg)

Gene: SYNE2 (spectrin repeat containing nuclear envelope protein 2; plus strand). Cytogenetic location: 14q23.2.
Variant type: single nucleotide variant.
Coding change: c.15818A>G on transcript NM_182914.3 (MANE Select); coding-DNA position 15818, A replaced by G.
Protein change: p.Gln5273Arg; replaces glutamine 5273 with arginine.
Molecular consequence: missense variant.
Genome position (GRCh38, 1-based): chr14:64,158,650, A>G. VCF-style: chr14-64158650-A-G. GRCh37 (hg19) VCF-style: chr14-64625368-A-G.
Other names: c.15818A>G (NM_182914.2); c.15818A>G, p.Gln5273Arg (NM_015180.6); short protein forms Q5273R.
Identifiers: ClinVar variation 2138917 (VCV002138917.5), dbSNP rs757485374, ClinGen allele CA7223204.
Genomic context (GRCh38, chr14:64,158,650, plus strand): 5'-TTTTCTAAATCAGTACGTTTCCACTTTTTGTCTAGGTCAATCAGCTCAAAACCTCCATGC[A>G]GTCAGTTTTACAGGAGTGGAAGATTTATGATCAACTCTATGATGAAGTGAATATGATGAC-3'
Protein context (NP_878918.2, residues 5263-5283): TQVNQLKTSM[Gln5273Arg]SVLQEWKIYD

ClinVar aggregate classification (germline): Uncertain significance. Review status: criteria provided, multiple submitters, no conflicts (2 of 4 stars). 2 submissions from 2 submitters: Uncertain significance (2). Last evaluated 2025-05-11.

Conditions:
Emery-Dreifuss muscular dystrophy 5, autosomal dominant (EDMD5). Also called: EMERY-DREIFUSS MUSCULAR DYSTROPHY 5. Identifiers: Orphanet 261, MedGen C2751805, MONDO:0013072, OMIM 612999.

Allele frequency attached by ClinVar (database versions not stated): gnomAD 0.00001; gnomAD exomes 0.00001; ExAC 0.00002.
gnomAD v4.1: 10 of 1,613,874 alleles (0.00062%); highest among the groups gnomAD compares: Non-Finnish European, 0.00068%; no homozygotes.

Submissions (2):

Labcorp Genetics (formerly Invitae), Labcorp
Classification: Uncertain significance for Emery-Dreifuss muscular dystrophy 5, autosomal dominant. Last evaluated: 2025-05-11. Review status: criteria provided, single submitter. Criteria: Invitae Variant Classification Sherloc (09022015). Collection method: clinical testing. Allele origin: germline.
Comment: This sequence change replaces glutamine, which is neutral and polar, with arginine, which is basic and polar, at codon 5273 of the SYNE2 protein (p.Gln5273Arg). This variant is present in population databases (rs757485374, gnomAD 0.002%). This variant has not been reported in the literature in individuals affected with SYNE2-related conditions. ClinVar contains an entry for this variant (Variation ID: 2138917). An algorithm developed to predict the effect of missense changes on protein structure and function (PolyPhen-2) suggests that this variant is likely to be disruptive. In summary, the available evidence is currently insufficient to determine the role of this variant in disease. Therefore, it has been classified as a Variant of Uncertain Significance.

Ambry Genetics
Classification: Uncertain significance. Last evaluated: 2025-01-09. Review status: criteria provided, single submitter. Criteria: Ambry Variant Classification Scheme 2023. Collection method: clinical testing. Allele origin: germline.